The following is an entry in ClinVar:

NM_001243279.3(ACSF3):c.583A>T (p.Lys195Ter)

Gene: ACSF3 (acyl-CoA synthetase family member 3; plus strand). Cytogenetic location: 16q24.3.
Variant type: single nucleotide variant.
Coding change: c.583A>T on transcript NM_001243279.3 (MANE Select); coding-DNA position 583, A replaced by T.
Protein change: p.Lys195Ter; replaces lysine 195 with a stop codon.
Molecular consequence: nonsense. On other transcripts: non-coding transcript variant (3), intron variant (1).
Genome position (GRCh38, 1-based): chr16:89,101,264, A>T. VCF-style: chr16-89101264-A-T. GRCh37 (hg19) VCF-style: chr16-89167672-A-T.
Other names: c.583A>T, p.Lys195Ter (NM_001127214.4, NM_174917.5); c.-129-1340A>T (NM_001284316.2); short protein forms K195*.
Identifiers: ClinVar variation 1453993 (VCV001453993.7), dbSNP rs1366314967, ClinGen allele CA397135450.

ClinVar aggregate classification (germline): Pathogenic/Likely pathogenic. Review status: criteria provided, multiple submitters, no conflicts (2 of 4 stars). 2 submissions from 2 submitters: Pathogenic (1); Likely pathogenic (1). Last evaluated 2022-02-23.

Conditions:
Combined malonic and methylmalonic acidemia. Identifiers: Orphanet 289504, MedGen C3280314, MONDO:0013661, OMIM 614265.

gnomAD v4.1: 1 of 1,601,684 alleles (0.000062%); highest among the groups gnomAD compares: East Asian, 0.0023%; no homozygotes.

Submissions (2):

Fulgent Genetics
Classification: Likely pathogenic for Combined malonic and methylmalonic acidemia. Last evaluated: 2022-02-23. Review status: criteria provided, single submitter. Criteria: ACMG Guidelines, 2015. Collection method: clinical testing. Allele origin: unknown.

Labcorp Genetics (formerly Invitae), Labcorp
Classification: Pathogenic for Combined malonic and methylmalonic acidemia. Last evaluated: 2021-11-24. Review status: criteria provided, single submitter. Criteria: Invitae Variant Classification Sherloc (09022015). Collection method: clinical testing. Allele origin: germline.
Comment: For these reasons, this variant has been classified as Pathogenic. This variant has not been reported in the literature in individuals affected with ACSF3-related conditions. This variant is not present in population databases (gnomAD no frequency). This sequence change creates a premature translational stop signal (p.Lys195*) in the ACSF3 gene. It is expected to result in an absent or disrupted protein product. Loss-of-function variants in ACSF3 are known to be pathogenic (PMID: 21841779, 26827111).

Literature cited by the submitters: PubMed 21841779 (cited by Labcorp Genetics (formerly Invitae), Labcorp); PubMed 26827111 (cited by Labcorp Genetics (formerly Invitae), Labcorp).